The following is an entry in ClinVar:

ClinVar aggregate classification (germline): Uncertain significance. Review status: criteria provided, multiple submitters, no conflicts (2 of 4 stars). 3 submissions from 3 submitters: Uncertain significance (3). Last evaluated 2023-04-11.

Conditions:
MHC class II deficiency. Also called: BLS, TYPE II; Bare lymphocyte syndrome 2. Identifiers: Orphanet 572, MedGen C5447452, MONDO:0008855.

Allele frequency attached by ClinVar (database versions not stated): gnomAD exomes 0.00001 and 0.00006; ExAC 0.00001.
gnomAD v4.1: 85 of 1,614,046 alleles (0.0053%); highest among the groups gnomAD compares: Non-Finnish European, 0.0067%; no homozygotes.

Submissions (3):

Genome-Nilou Lab
Classification: Uncertain significance for MHC class II deficiency 1. Last evaluated: 2023-04-11. Review status: criteria provided, single submitter. Criteria: ACMG Guidelines, 2015. Collection method: clinical testing. Allele origin: germline. Affected: no.

Ambry Genetics
Classification: Uncertain significance. Last evaluated: 2023-04-08. Review status: criteria provided, single submitter. Criteria: Ambry Variant Classification Scheme 2023. Collection method: clinical testing. Allele origin: germline.

Labcorp Genetics (formerly Invitae), Labcorp
Classification: Uncertain significance for MHC class II deficiency. Last evaluated: 2022-04-20. Review status: criteria provided, single submitter. Criteria: Invitae Variant Classification Sherloc (09022015). Collection method: clinical testing. Allele origin: germline.
Comment: This sequence change replaces glycine, which is neutral and non-polar, with alanine, which is neutral and non-polar, at codon 393 of the RFX5 protein (p.Gly393Ala). This variant is present in population databases (rs779249436, gnomAD 0.003%). This variant has not been reported in the literature in individuals affected with RFX5-related conditions. ClinVar contains an entry for this variant (Variation ID: 1052810). Algorithms developed to predict the effect of missense changes on protein structure and function output the following: SIFT: "Deleterious"; PolyPhen-2: "Benign"; Align-GVGD: "Class C0". The alanine amino acid residue is found in multiple mammalian species, which suggests that this missense change does not adversely affect protein function. In summary, the available evidence is currently insufficient to determine the role of this variant in disease. Therefore, it has been classified as a Variant of Uncertain Significance.

NM_001025603.2(RFX5):c.1178G>C (p.Gly393Ala)

Gene: RFX5 (regulatory factor X5; minus strand). Cytogenetic location: 1q21.3.
Variant type: single nucleotide variant.
Coding change: c.1178G>C on transcript NM_001025603.2 (MANE Select); coding-DNA position 1178, G replaced by C.
Protein change: p.Gly393Ala; replaces glycine 393 with alanine.
Molecular consequence: missense variant.
Genome position (GRCh38, 1-based): chr1:151,342,859, C>G on the plus strand (G>C on the coding strand, the complement: RFX5 is on the minus strand). VCF-style: chr1-151342859-C-G. GRCh37 (hg19) VCF-style: chr1-151315335-C-G.
Other names: c.1178G>C, p.Gly393Ala (NM_000449.4, NM_001379412.1, NM_001379413.1 and 5 more transcripts); c.1058G>C, p.Gly353Ala (NM_001379419.1, NM_001379420.1); c.1178G>C (NM_000449.3); short protein forms G353A, G393A.
Identifiers: ClinVar variation 1052810 (VCV001052810.8), dbSNP rs779249436, ClinGen allele CA1089649.